The following is an entry in ClinVar:

NM_001009880.2(KIAA0930):c.971C>G (p.Ser324Trp)

Gene: KIAA0930 (KIAA0930; minus strand). Cytogenetic location: 22q13.31.
Variant type: single nucleotide variant.
Coding change: c.971C>G on transcript NM_001009880.2 (MANE Select); coding-DNA position 971, C replaced by G.
Protein change: p.Ser324Trp; replaces serine 324 with tryptophan.
Molecular consequence: missense variant.
Genome position (GRCh38, 1-based): chr22:45,199,917, G>C on the plus strand (C>G on the coding strand, the complement: KIAA0930 is on the minus strand). VCF-style: chr22-45199917-G-C. GRCh37 (hg19) VCF-style: chr22-45595798-G-C.
Other names: c.986C>G, p.Ser329Trp (NM_015264.2); short protein forms S324W, S329W.
Identifiers: ClinVar variation 4986562 (VCV004986562.1).

ClinVar aggregate classification (germline): Uncertain significance (1 of 4 stars; one submission).

Conditions:
KIAA0930-related condition.

Submission:

PreventionGenetics, part of Exact Sciences
Classification: Uncertain significance for KIAA0930-related condition. Last evaluated: 2025-09-30. Review status: criteria provided, single submitter. Criteria: ACMG Guidelines, 2015. Collection method: clinical testing. Allele origin: germline.
Comment: The KIAA0930 c.986C>G variant is predicted to result in the amino acid substitution p.Ser329Trp. To our knowledge, this variant has not been reported in the literature or in a large population database (gnomAD), indicating this variant is rare. At this time, the clinical significance of this variant is uncertain due to the absence of conclusive functional and genetic evidence.